The following is an entry in ClinVar:

ClinVar aggregate classification (germline): Uncertain significance (1 of 4 stars; one submission).

Submission:

Labcorp Genetics (formerly Invitae), Labcorp
Classification: Uncertain significance. Last evaluated: 2024-09-23. Review status: criteria provided, single submitter. Criteria: Invitae Variant Classification Sherloc (09022015). Collection method: clinical testing. Allele origin: germline.
Comment: This sequence change replaces serine, which is neutral and polar, with glycine, which is neutral and non-polar, at codon 28 of the KRT83 protein (p.Ser28Gly). Information on the frequency of this variant in the gnomAD database is not available, as this variant may be reported differently in the database. This variant has not been reported in the literature in individuals affected with KRT83-related conditions. Experimental studies and prediction algorithms are not available or were not evaluated, and the functional significance of this variant is currently unknown. In summary, the available evidence is currently insufficient to determine the role of this variant in disease. Therefore, it has been classified as a Variant of Uncertain Significance.

NM_002282.3(KRT83):c.81_82delinsCG (p.Ser28Gly)

Gene: KRT83 (keratin 83; minus strand). Cytogenetic location: 12q13.13.
Variant type: Indel.
Coding change: c.81_82delinsCG on transcript NM_002282.3 (MANE Select); coding-DNA positions 81 to 82, AA replaced by CG.
Protein change: p.Ser28Gly; replaces serine 28 with glycine.
Molecular consequence: missense variant.
Genome position (GRCh38, 1-based): chr12:52,321,254-52,321,255, TT replaced by CG on the plus strand (AA replaced by CG on the coding strand, the reverse complement: KRT83 is on the minus strand). VCF-style: chr12-52321254-TT-CG. GRCh37 (hg19) VCF-style: chr12-52715038-TT-CG.
Other names: short protein forms S28G.
Identifiers: ClinVar variation 2999279 (VCV002999279.3), dbSNP rs2540557703, ClinGen allele CA2740092382.